The following is an entry in ClinVar:

NM_032776.3(JMJD1C):c.3260G>A (p.Ser1087Asn)

Gene: JMJD1C (jumonji domain containing 1C; minus strand). Cytogenetic location: 10q21.3.
Variant type: single nucleotide variant.
Coding change: c.3260G>A on transcript NM_032776.3 (MANE Select); coding-DNA position 3260, G replaced by A.
Protein change: p.Ser1087Asn; replaces serine 1087 with asparagine.
Molecular consequence: missense variant. On other transcripts: non-coding transcript variant (1).
Genome position (GRCh38, 1-based): chr10:63,208,409, C>T on the plus strand (G>A on the coding strand, the complement: JMJD1C is on the minus strand). VCF-style: chr10-63208409-C-T. GRCh37 (hg19) VCF-style: chr10-64968169-C-T.
Other names: c.2714G>A, p.Ser905Asn (NM_001282948.2, NM_001318154.2); c.2396G>A, p.Ser799Asn (NM_001318153.2); c.3146G>A, p.Ser1049Asn (NM_001322252.2); c.2603G>A, p.Ser868Asn (NM_001322254.2, NM_001322258.2); short protein forms S1049N, S799N, S1087N, S868N, S905N.
Identifiers: ClinVar variation 964563 (VCV000964563.1), dbSNP rs1846913178, ClinGen allele CA377042400.
Genomic context (GRCh38, chr10:63,208,409, plus strand): 5'-CTTGGTGGTTCATTGACCACACTATTAGACAATGTAGTGAAATAGTTACTTTGGGGTAAA[C>T]TCTGAGGCACTGAGTGCTTCATTTTATAAAGATCTGATACTGAGCGTTCTACATCCATAT-3'
Protein context (NP_116165.1, residues 1077-1097): LYKMKHSVPQ[Ser1087Asn]LPQSNYFTTL

ClinVar aggregate classification (germline): Uncertain significance (1 of 4 stars; one submission).

Conditions:
Early Myoclonic Encephalopathy. Identifiers: MedGen C0270855.

Submission:

Labcorp Genetics (formerly Invitae), Labcorp
Classification: Uncertain significance for Early myoclonic encephalopathy. Last evaluated: 2019-11-07. Review status: criteria provided, single submitter. Criteria: Invitae Variant Classification Sherloc (09022015). Collection method: clinical testing. Allele origin: germline.
Comment: This sequence change replaces serine with asparagine at codon 1087 of the JMJD1C protein (p.Ser1087Asn). The serine residue is moderately conserved and there is a small physicochemical difference between serine and asparagine. This variant is not present in population databases (ExAC no frequency). This variant has not been reported in the literature in individuals with JMJD1C-related conditions. Algorithms developed to predict the effect of missense changes on protein structure and function are either unavailable or do not agree on the potential impact of this missense change (SIFT: "Deleterious"; PolyPhen-2: "Benign"; Align-GVGD: "Class C0"). In summary, the available evidence is currently insufficient to determine the role of this variant in disease. Therefore, it has been classified as a Variant of Uncertain Significance.